The following is an entry in ClinVar:

NM_025215.6(PUS1):c.802T>C (p.Cys268Arg)

Gene: PUS1 (pseudouridine synthase 1; plus strand). Cytogenetic location: 12q24.33.
Variant type: single nucleotide variant.
Coding change: c.802T>C on transcript NM_025215.6 (MANE Select); coding-DNA position 802, T replaced by C.
Protein change: p.Cys268Arg; replaces cysteine 268 with arginine.
Molecular consequence: missense variant.
Genome position (GRCh38, 1-based): chr12:131,941,549, T>C. VCF-style: chr12-131941549-T-C. GRCh37 (hg19) VCF-style: chr12-132426094-T-C.
Other names: c.718T>C, p.Cys240Arg (NM_001002019.3, NM_001002020.3); short protein forms C240R, C268R.
Identifiers: ClinVar variation 3251464 (VCV003251464.1), dbSNP rs368069254.

ClinVar aggregate classification (germline): Uncertain significance (1 of 4 stars; one submission).

Allele frequency attached by ClinVar (database versions not stated): gnomAD 0.00001; TOPMed 0.00001.

Submission:

Women's Health and Genetics/Laboratory Corporation of America, LabCorp
Classification: Uncertain significance. Last evaluated: 2024-04-08. Review status: criteria provided, single submitter. Criteria: LabCorp Variant Classification Summary - May 2015. Collection method: clinical testing. Allele origin: germline.
Comment: Variant summary: PUS1 c.802T>C (p.Cys268Arg) results in a non-conservative amino acid change located in the Pseudouridine synthase I, TruA, alpha/beta domain (IPR020097) of the encoded protein sequence. Four of five in-silico tools predict a damaging effect of the variant on protein function. The variant was absent in 251410 control chromosomes. c.802T>C has been reported in the literature in individuals affected with Myopathy, Lactic Acidosis, And Sideroblastic Anemia 1 (Naess_2021). These data indicate that the variant may be associated with disease. To our knowledge, no experimental evidence demonstrating an impact on protein function has been reported. The following publication have been ascertained in the context of this evaluation (PMID: 32827528). No submitters have cited clinical-significance assessments for this variant to ClinVar. Based on the evidence outlined above, the variant was classified as VUS-possibly pathogenic.

Literature cited by the submitters: PubMed 32827528.